The following is an entry in ClinVar:

NM_005219.5(DIAPH1):c.2050A>T (p.Ser684Cys)

Gene: DIAPH1 (diaphanous related formin 1; minus strand). Cytogenetic location: 5q31.3.
Variant type: single nucleotide variant.
Coding change: c.2050A>T on transcript NM_005219.5 (MANE Select); coding-DNA position 2050, A replaced by T.
Protein change: p.Ser684Cys; replaces serine 684 with cysteine.
Molecular consequence: missense variant.
Genome position (GRCh38, 1-based): chr5:141,573,800, T>A on the plus strand (A>T on the coding strand, the complement: DIAPH1 is on the minus strand). VCF-style: chr5-141573800-T-A. GRCh37 (hg19) VCF-style: chr5-140953367-T-A.
Other names: c.2023A>T, p.Ser675Cys (NM_001079812.3); c.2050A>T, p.Ser684Cys (NM_001314007.2); short protein forms S675C, S684C.
Identifiers: ClinVar variation 1488281 (VCV001488281.8), dbSNP rs2154596289, ClinGen allele CA361518756.
Genomic context (GRCh38, chr5:141,573,800, plus strand): 5'-GTGGGGGGGGAATTCCAGCACTCCCAGGCAAAGGAGGTGGTGGTGGGGGGATTCTAGCAC[T>A]CCCAGGCAAAGGAGGAGGTGGGGGGATGGCAGTACCTCCAGGCAAAGAAGAGGGTGAAGG-3'
Protein context (NP_005210.3, residues 674-694): AIPPPPPLPG[Ser684Cys]ARIPPPPPPL

ClinVar aggregate classification (germline): Uncertain significance (1 of 4 stars; one submission).

Conditions:
Progressive microcephaly-seizures-cortical blindness-developmental delay syndrome. Also called: Seizures, cortical blindness, and microcephaly syndrome. Identifiers: Orphanet 477814, MedGen C5567650, MONDO:0014714, OMIM 616632.
Autosomal dominant nonsyndromic hearing loss 1. Also called: KONIGSMARK SYNDROME; DEAFNESS, AUTOSOMAL DOMINANT 1, WITH OR WITHOUT THROMBOCYTOPENIA. Identifiers: Orphanet 90635, MedGen C1852282, MONDO:0007424, OMIM 124900.

Submission:

Labcorp Genetics (formerly Invitae), Labcorp
Classification: Uncertain significance for Progressive microcephaly-seizures-cortical blindness-developmental delay syndrome; Autosomal dominant nonsyndromic hearing loss 1. Last evaluated: 2022-03-19. Review status: criteria provided, single submitter. Criteria: Invitae Variant Classification Sherloc (09022015). Collection method: clinical testing. Allele origin: germline.
Comment: In summary, the available evidence is currently insufficient to determine the role of this variant in disease. Therefore, it has been classified as a Variant of Uncertain Significance. Algorithms developed to predict the effect of sequence changes on RNA splicing suggest that this variant may create or strengthen a splice site. Algorithms developed to predict the effect of missense changes on protein structure and function are either unavailable or do not agree on the potential impact of this missense change (SIFT: "Deleterious"; PolyPhen-2: "Not Available"; Align-GVGD: "Class C0"). This variant has not been reported in the literature in individuals affected with DIAPH1-related conditions. This variant is not present in population databases (gnomAD no frequency). This sequence change replaces serine, which is neutral and polar, with cysteine, which is neutral and slightly polar, at codon 684 of the DIAPH1 protein (p.Ser684Cys).